The following is an entry in ClinVar:

NM_006164.5(NFE2L2):c.946C>A (p.Pro316Thr)

Gene: NFE2L2 (NFE2 like bZIP transcription factor 2; minus strand). Cytogenetic location: 2q31.2.
Variant type: single nucleotide variant.
Coding change: c.946C>A on transcript NM_006164.5 (MANE Select); coding-DNA position 946, C replaced by A.
Protein change: p.Pro316Thr; replaces proline 316 with threonine.
Molecular consequence: missense variant.
Genome position (GRCh38, 1-based): chr2:177,231,657, G>T on the plus strand (C>A on the coding strand, the complement: NFE2L2 is on the minus strand). VCF-style: chr2-177231657-G-T. GRCh37 (hg19) VCF-style: chr2-178096385-G-T.
Other names: c.946C>A (NM_006164.4); c.898C>A, p.Pro300Thr (NM_001145412.3, NM_001313900.1, NM_001313901.1); c.877C>A, p.Pro293Thr (NM_001145413.3); c.856C>A, p.Pro286Thr (NM_001313902.2); c.727C>A, p.Pro243Thr (NM_001313903.2); c.646C>A, p.Pro216Thr (NM_001313904.1); short protein forms P216T, P243T, P286T, P300T, P316T, P293T.
Identifiers: ClinVar variation 1441814 (VCV001441814.7), dbSNP rs755135182, ClinGen allele CA349372966.

ClinVar aggregate classification (germline): Uncertain significance (1 of 4 stars; one submission).

Conditions:
Immunodeficiency, developmental delay, and hypohomocysteinemia. Identifiers: MedGen C4540293, MONDO:0060591, OMIM 617744.

gnomAD v4.1: 8 of 1,614,142 alleles (0.0005%); highest among the groups gnomAD compares: Non-Finnish European, 0.00068%; no homozygotes.

Submission:

Labcorp Genetics (formerly Invitae), Labcorp
Classification: Uncertain significance. Last evaluated: 2025-07-09. Review status: criteria provided, single submitter. Criteria: Invitae Variant Classification Sherloc (09022015). Collection method: clinical testing. Allele origin: germline.
Comment: This sequence change replaces proline, which is neutral and non-polar, with threonine, which is neutral and polar, at codon 316 of the NFE2L2 protein (p.Pro316Thr). This variant is not present in population databases (gnomAD no frequency). This variant has not been reported in the literature in individuals affected with NFE2L2-related conditions. ClinVar contains an entry for this variant (Variation ID: 1441814). Invitae Evidence Modeling of protein sequence and biophysical properties (such as structural, functional, and spatial information, amino acid conservation, physicochemical variation, residue mobility, and thermodynamic stability) indicates that this missense variant is not expected to disrupt NFE2L2 protein function with a negative predictive value of 80%. In summary, the available evidence is currently insufficient to determine the role of this variant in disease. Therefore, it has been classified as a Variant of Uncertain Significance.